The following is an entry in ClinVar:

ClinVar aggregate classification (germline): Pathogenic (1 of 4 stars; one submission).

Allele frequency attached by ClinVar (database versions not stated): TOPMed below 0.00001.

Submission:

Labcorp Genetics (formerly Invitae), Labcorp
Classification: Pathogenic. Last evaluated: 2023-05-30. Review status: criteria provided, single submitter. Criteria: Invitae Variant Classification Sherloc (09022015). Collection method: clinical testing. Allele origin: germline.
Comment: For these reasons, this variant has been classified as Pathogenic. This variant has not been reported in the literature in individuals affected with ATP2A2-related conditions. This variant is not present in population databases (gnomAD no frequency). This sequence change creates a premature translational stop signal (p.Arg549*) in the ATP2A2 gene. It is expected to result in an absent or disrupted protein product. Loss-of-function variants in ATP2A2 are known to be pathogenic (PMID: 10080178, 10441324).

Literature cited by the submitters: PubMed 10080178; PubMed 10441324.

NM_170665.4(ATP2A2):c.1645C>T (p.Arg549Ter)

Gene: ATP2A2 (ATPase sarcoplasmic/endoplasmic reticulum Ca2+ transporting 2; plus strand). Cytogenetic location: 12q24.11.
Variant type: single nucleotide variant.
Coding change: c.1645C>T on transcript NM_170665.4 (MANE Select); coding-DNA position 1645, C replaced by T.
Protein change: p.Arg549Ter; replaces arginine 549 with a stop codon.
Molecular consequence: nonsense.
Genome position (GRCh38, 1-based): chr12:110,339,605, C>T. VCF-style: chr12-110339605-C-T. GRCh37 (hg19) VCF-style: chr12-110777410-C-T.
Other names: c.1540C>T, p.Arg514Ter (NM_001413013.1); c.1645C>T, p.Arg549Ter (NM_001413014.1, NM_001681.4); c.1270C>T, p.Arg424Ter (NM_001413015.1); short protein forms R514*, R549*, R424*.
Identifiers: ClinVar variation 2813682 (VCV002813682.3), dbSNP rs1879161381, ClinGen allele CA386673404.